The following is an entry in ClinVar:

NM_003106.4(SOX2):c.497_498delinsAT (p.Trp166Tyr)

Genes: SOX2 (SRY-box transcription factor 2; plus strand), SOX2-OT (SOX2 overlapping transcript; plus strand), LOC108281177 (SOX2 5' regulatory region; plus strand). Cytogenetic location: 3q26.33.
Variant type: Indel.
Coding change: c.497_498delinsAT on transcript NM_003106.4 (MANE Select); coding-DNA positions 497 to 498, GG replaced by AT.
Protein change: p.Trp166Tyr; replaces tryptophan 166 with tyrosine.
Molecular consequence: missense variant.
Genome position (GRCh38, 1-based): chr3:181,712,857-181,712,858, GG replaced by AT. VCF-style: chr3-181712857-GG-AT. GRCh37 (hg19) VCF-style: chr3-181430645-GG-AT.
Other names: short protein forms W166Y.
Identifiers: ClinVar variation 3903391 (VCV003903391.1).

ClinVar aggregate classification (germline): Uncertain significance (1 of 4 stars; one submission).

Submission:

GeneDx
Classification: Uncertain significance. Last evaluated: 2024-12-10. Review status: criteria provided, single submitter. Criteria: GeneDx Variant Classification Process June 2021. Collection method: clinical testing. Allele origin: germline. Affected: yes.
Comment: Not observed at significant frequency in large population cohorts (gnomAD); In silico analysis supports a deleterious effect on protein structure/function; Has not been previously published as pathogenic or benign to our knowledge